The following is an entry in ClinVar:

ClinVar aggregate classification (germline): Uncertain significance (1 of 4 stars; one submission).

gnomAD v4.1: 1 of 1,614,166 alleles (0.000062%); highest among the groups gnomAD compares: Non-Finnish European, 0.000085%; no homozygotes.

Submission:

Labcorp Genetics (formerly Invitae), Labcorp
Classification: Uncertain significance. Last evaluated: 2024-07-20. Review status: criteria provided, single submitter. Criteria: Invitae Variant Classification Sherloc (09022015). Collection method: clinical testing. Allele origin: germline.
Comment: This sequence change replaces arginine, which is basic and polar, with cysteine, which is neutral and slightly polar, at codon 657 of the ROR1 protein (p.Arg657Cys). This variant is not present in population databases (gnomAD no frequency). This variant has not been reported in the literature in individuals affected with ROR1-related conditions. Advanced modeling of protein sequence and biophysical properties (such as structural, functional, and spatial information, amino acid conservation, physicochemical variation, residue mobility, and thermodynamic stability) performed at Invitae indicates that this missense variant is expected to disrupt ROR1 protein function with a positive predictive value of 80%. In summary, the available evidence is currently insufficient to determine the role of this variant in disease. Therefore, it has been classified as a Variant of Uncertain Significance.

NM_005012.4(ROR1):c.1969C>T (p.Arg657Cys)

Gene: ROR1 (receptor tyrosine kinase like orphan receptor 1; plus strand). Cytogenetic location: 1p31.3.
Variant type: single nucleotide variant.
Coding change: c.1969C>T on transcript NM_005012.4 (MANE Select); coding-DNA position 1969, C replaced by T.
Protein change: p.Arg657Cys; replaces arginine 657 with cysteine.
Molecular consequence: missense variant.
Genome position (GRCh38, 1-based): chr1:64,178,010, C>T. VCF-style: chr1-64178010-C-T. GRCh37 (hg19) VCF-style: chr1-64643693-C-T.
Other names: short protein forms R657C.
Identifiers: ClinVar variation 3673790 (VCV003673790.2).